The following is an entry in ClinVar:

NM_030665.4(RAI1):c.2812G>A (p.Val938Ile)

Gene: RAI1 (retinoic acid induced 1; plus strand). Cytogenetic location: 17p11.2.
Variant type: single nucleotide variant.
Coding change: c.2812G>A on transcript NM_030665.4 (MANE Select); coding-DNA position 2812, G replaced by A.
Protein change: p.Val938Ile; replaces valine 938 with isoleucine.
Molecular consequence: missense variant.
Genome position (GRCh38, 1-based): chr17:17,795,760, G>A. VCF-style: chr17-17795760-G-A. GRCh37 (hg19) VCF-style: chr17-17699074-G-A.
Other names: c.2812G>A (NM_030665.3); short protein forms V938I.
Identifiers: ClinVar variation 1428870 (VCV001428870.7), dbSNP rs2032214903, ClinGen allele CA398552041.
Genomic context (GRCh38, chr17:17,795,760, plus strand): 5'-TGCCACCTCTCAGGGGAGTCCGTCATCCTGCTGGGCCCTACAGTGGGCACCGAGTCAAAG[G>A]TCCAGAGCTGGTTTGAGTCCTCTCTGTCACACATGAAGCCAGGTGAAGAGGGGCCTGATG-3'
Protein context (NP_109590.3, residues 928-948): LGPTVGTESK[Val938Ile]QSWFESSLSH

ClinVar aggregate classification (germline): Uncertain significance. Review status: criteria provided, multiple submitters, no conflicts (2 of 4 stars). 2 submissions from 2 submitters: Uncertain significance (2). Last evaluated 2026-04-11.

Conditions:
RAI1-related disorder. Also called: RAI1-related condition.

Submissions (2):

PreventionGenetics, part of Exact Sciences
Classification: Uncertain significance for RAI1-related condition. Last evaluated: 2026-04-11. Review status: criteria provided, single submitter. Criteria: ACMG Guidelines, 2015. Collection method: clinical testing. Allele origin: germline.
Comment: The RAI1 c.2812G>A variant is predicted to result in the amino acid substitution p.Val938Ile. To our knowledge, this variant has not been reported in the literature or in a large population database (gnomAD), indicating this variant is rare. At this time, the clinical significance of this variant is uncertain due to the absence of conclusive functional and genetic evidence.

Labcorp Genetics (formerly Invitae), Labcorp
Classification: Uncertain significance. Last evaluated: 2024-01-02. Review status: criteria provided, single submitter. Criteria: Invitae Variant Classification Sherloc (09022015). Collection method: clinical testing. Allele origin: germline.
Comment: This sequence change replaces valine, which is neutral and non-polar, with isoleucine, which is neutral and non-polar, at codon 938 of the RAI1 protein (p.Val938Ile). This variant is not present in population databases (gnomAD no frequency). This variant has not been reported in the literature in individuals affected with RAI1-related conditions. ClinVar contains an entry for this variant (Variation ID: 1428870). Advanced modeling of protein sequence and biophysical properties (such as structural, functional, and spatial information, amino acid conservation, physicochemical variation, residue mobility, and thermodynamic stability) has been performed at Invitae for this missense variant, however the output from this modeling did not meet the statistical confidence thresholds required to predict the impact of this variant on RAI1 protein function. In summary, the available evidence is currently insufficient to determine the role of this variant in disease. Therefore, it has been classified as a Variant of Uncertain Significance.